The following is an entry in ClinVar:

NC_000007.13:g.(?_95838130)_(95838309_?)del

Gene: SLC25A13 (solute carrier family 25 member 13; minus strand). Cytogenetic location: 7q21.3.
Variant type: Deletion.
Identifiers: ClinVar variation 2425927 (VCV002425927.3).

ClinVar aggregate classification (germline): Pathogenic (1 of 4 stars; one submission).

Conditions:
Citrin deficiency. Identifiers: Orphanet 247582, MedGen C1997910, MONDO:0016602.

Submission:

Labcorp Genetics (formerly Invitae), Labcorp
Classification: Pathogenic for Citrin deficiency. Last evaluated: 2021-08-12. Review status: criteria provided, single submitter. Criteria: Invitae Variant Classification Sherloc (09022015). Collection method: clinical testing. Allele origin: germline.
Comment: This variant is a gross deletion of the genomic region encompassing exon(s) 5 of the SLC25A13 gene. This deletion is out-of-frame, and is expected to create a premature termination codon and result in an absent or disrupted protein product. Loss-of-function variants in SLC25A13 are known to be pathogenic (PMID: 10369257, 14680984, 27405544). This variant has not been reported in the literature in individuals affected with SLC25A13-related conditions. For these reasons, this variant has been classified as Pathogenic.

Literature cited by the submitters: PubMed 10369257; PubMed 14680984; PubMed 27405544.